The following is an entry in ClinVar:

ClinVar aggregate classification (germline): Uncertain significance (1 of 4 stars; one submission).

Conditions:
RYR1-related disorder. Also called: RYR1-related disorders; RYR1-related condition. Identifiers: MedGen CN239331.

Submission:

Labcorp Genetics (formerly Invitae), Labcorp
Classification: Uncertain significance for RYR1-related disorder. Last evaluated: 2018-09-17. Review status: criteria provided, single submitter. Criteria: Invitae Variant Classification Sherloc (09022015). Collection method: clinical testing. Allele origin: germline.
Comment: This sequence change replaces alanine with serine at codon 503 of the RYR1 protein (p.Ala503Ser). The alanine residue is moderately conserved and there is a moderate physicochemical difference between alanine and serine. This variant is not present in population databases (ExAC no frequency). This variant has not been reported in the literature in individuals with RYR1-related disease. Algorithms developed to predict the effect of missense changes on protein structure and function (SIFT, PolyPhen-2, Align-GVGD) all suggest that this variant is likely to be tolerated, but these predictions have not been confirmed by published functional studies and their clinical significance is uncertain. This missense change is located in a region of the RYR1 protein where a significant number of previously reported RYR1 missense mutations are found (PMID: 16084090). These observations suggest that a previously unreported missense substitution within this region may affect protein function, but experiments have not been done to test this possibility. In summary, the available evidence is currently insufficient to determine the role of this variant in disease. Therefore, it has been classified as a Variant of Uncertain Significance.

Literature cited by the submitters: PubMed 16084090.

NM_000540.3(RYR1):c.1507G>T (p.Ala503Ser)

Genes: RYR1 (ryanodine receptor 1; plus strand), LOC129391106 (MPRA-validated peak3472 silencer; plus strand). Cytogenetic location: 19q13.2.
Variant type: single nucleotide variant.
Coding change: c.1507G>T on transcript NM_000540.3 (MANE Select); coding-DNA position 1507, G replaced by T.
Protein change: p.Ala503Ser; replaces alanine 503 with serine.
Molecular consequence: missense variant.
Genome position (GRCh38, 1-based): chr19:38,455,301, G>T. VCF-style: chr19-38455301-G-T. GRCh37 (hg19) VCF-style: chr19-38945941-G-T.
Other names: c.1507G>T, p.Ala503Ser (NM_001042723.2); short protein forms A503S.
Identifiers: ClinVar variation 650266 (VCV000650266.9), dbSNP rs1600674736, ClinGen allele CA405688929.